The following is an entry in ClinVar:

ClinVar aggregate classification (germline): Uncertain significance. Review status: criteria provided, multiple submitters, no conflicts (2 of 4 stars). 3 submissions from 3 submitters: Uncertain significance (3). Last evaluated 2022-08-24.

Conditions:
Hereditary nonpolyposis colorectal neoplasms. Identifiers: MedGen C0009405, MeSH D003123.
Hereditary cancer-predisposing syndrome. Also called: Neoplastic Syndromes, Hereditary; Tumor predisposition; Hereditary Cancer Syndrome; Hereditary neoplastic syndrome. Identifiers: Orphanet 140162, MedGen C0027672, MeSH D009386, MONDO:0015356.

gnomAD v4.1: 1 of 1,614,056 alleles (0.000062%); no homozygotes.

Submissions (3):

Labcorp Genetics (formerly Invitae), Labcorp
Classification: Uncertain significance for Hereditary nonpolyposis colorectal neoplasms. Last evaluated: 2022-08-24. Review status: criteria provided, single submitter. Criteria: Invitae Variant Classification Sherloc (09022015). Collection method: clinical testing. Allele origin: germline.
Comment: In summary, the available evidence is currently insufficient to determine the role of this variant in disease. Therefore, it has been classified as a Variant of Uncertain Significance. Advanced modeling of protein sequence and biophysical properties (such as structural, functional, and spatial information, amino acid conservation, physicochemical variation, residue mobility, and thermodynamic stability) performed at Invitae indicates that this missense variant is not expected to disrupt PMS2 protein function. ClinVar contains an entry for this variant (Variation ID: 1339729). This variant has not been reported in the literature in individuals affected with PMS2-related conditions. This variant is not present in population databases (gnomAD no frequency). This sequence change replaces isoleucine, which is neutral and non-polar, with threonine, which is neutral and polar, at codon 198 of the PMS2 protein (p.Ile198Thr).

Women's Health and Genetics/Laboratory Corporation of America, LabCorp
Classification: Uncertain significance. Last evaluated: 2022-01-20. Review status: criteria provided, single submitter. Criteria: LabCorp Variant Classification Summary - May 2015. Collection method: clinical testing. Allele origin: germline.
Comment: Variant summary: PMS2 c.593T>C (p.Ile198Thr) results in a non-conservative amino acid change located in the N-terminal domain (IPR002099) of the encoded protein sequence. Three of five in-silico tools predict a benign effect of the variant on protein function. The variant was absent in 251494 control chromosomes (gnomAD). The available data on variant occurrences in the general population are insufficient to allow any conclusion about variant significance. To our knowledge, no occurrence of c.593T>C in individuals affected with Lynch Syndrome and no experimental evidence demonstrating its impact on protein function have been reported. No clinical diagnostic laboratories have submitted clinical-significance assessments for this variant to ClinVar after 2014. Based on the evidence outlined above, the variant was classified as uncertain significance.

Ambry Genetics
Classification: Uncertain significance for Hereditary cancer-predisposing syndrome. Last evaluated: 2017-08-03. Review status: criteria provided, single submitter. Criteria: Ambry Variant Classification Scheme 2023. Collection method: clinical testing. Allele origin: germline.
Comment: The p.I198T variant (also known as c.593T>C), located in coding exon 6 of the PMS2 gene, results from a T to C substitution at nucleotide position 593. The isoleucine at codon 198 is replaced by threonine, an amino acid with similar properties. This amino acid position is poorly conserved in available vertebrate species. In addition, the in silico prediction for this alteration is inconclusive. Since supporting evidence is limited at this time, the clinical significance of this alteration remains unclear.

NM_000535.7(PMS2):c.593T>C (p.Ile198Thr)

Gene: PMS2 (PMS1 homolog 2, mismatch repair system component; minus strand). Cytogenetic location: 7p22.1.
Variant type: single nucleotide variant.
Coding change: c.593T>C on transcript NM_000535.7 (MANE Select); coding-DNA position 593, T replaced by C.
Protein change: p.Ile198Thr; replaces isoleucine 198 with threonine.
Molecular consequence: missense variant. On other transcripts: 5 prime UTR variant (2), non-coding transcript variant (1), intron variant (1).
Genome position (GRCh38, 1-based): chr7:5,999,220, A>G on the plus strand (T>C on the coding strand, the complement: PMS2 is on the minus strand). VCF-style: chr7-5999220-A-G. GRCh37 (hg19) VCF-style: chr7-6038851-A-G.
Other names: c.188T>C, p.Ile63Thr (NM_001322003.2, NM_001322004.2, NM_001322005.2 and 2 more transcripts); c.593T>C, p.Ile198Thr (NM_001322006.2, NM_001322014.2); c.275T>C, p.Ile92Thr (NM_001322007.2, NM_001322008.2); c.-341T>C (NM_001322011.2, NM_001322012.2); c.284T>C, p.Ile95Thr (NM_001322015.2); c.133-1797T>C (NM_001322013.2); short protein forms I198T, I63T, I92T, I95T.
Identifiers: ClinVar variation 1339729 (VCV001339729.11), dbSNP rs2128801302, ClinGen allele CA366744020.